The following is an entry in ClinVar:

NM_000245.4(MET):c.2538G>C (p.Lys846Asn)

Gene: MET (MET proto-oncogene, receptor tyrosine kinase; plus strand). Cytogenetic location: 7q31.2.
Variant type: single nucleotide variant.
Coding change: c.2538G>C on transcript NM_000245.4 (MANE Select); coding-DNA position 2538, G replaced by C.
Protein change: p.Lys846Asn; replaces lysine 846 with asparagine.
Molecular consequence: missense variant.
Genome position (GRCh38, 1-based): chr7:116,763,223, G>C. VCF-style: chr7-116763223-G-C. GRCh37 (hg19) VCF-style: chr7-116403277-G-C.
Other names: c.2592G>C, p.Lys864Asn (NM_001127500.3); c.2538G>C, p.Lys846Asn (NM_001324401.3); c.1248G>C, p.Lys416Asn (NM_001324402.2); short protein forms K864N, K846N, K416N.
Identifiers: ClinVar variation 577214 (VCV000577214.12), dbSNP rs1562925732, ClinGen allele CA368983576.
Genomic context (GRCh38, chr7:116,763,223, plus strand): 5'-CCTTTCCAAATACTTTGATCTCATTTATGTACATAATCCTGTGTTTAAGCCTTTTGAAAA[G>C]CCAGTGATGATCTCAATGGGCAATGAAAATGTACTGGAAATTAAGGTAAGAAATGCTTTA-3'
Protein context (NP_000236.2, residues 836-856): VHNPVFKPFE[Lys846Asn]PVMISMGNEN

ClinVar aggregate classification (germline): Uncertain significance. Review status: criteria provided, multiple submitters, no conflicts (2 of 4 stars). 2 submissions from 2 submitters: Uncertain significance (2). Last evaluated 2024-10-13.

Conditions:
Renal cell carcinoma. Identifiers: Orphanet 217071, MedGen C0007134, MeSH D002292, MONDO:0005086, HP:0005584.
Hereditary cancer-predisposing syndrome. Also called: Tumor predisposition; Hereditary neoplastic syndrome; Hereditary Cancer Syndrome; Neoplastic Syndromes, Hereditary. Identifiers: Orphanet 140162, MedGen C0027672, MeSH D009386, MONDO:0015356.

Submissions (2):

Labcorp Genetics (formerly Invitae), Labcorp
Classification: Uncertain significance for Renal cell carcinoma. Last evaluated: 2024-10-13. Review status: criteria provided, single submitter. Criteria: Invitae Variant Classification Sherloc (09022015). Collection method: clinical testing. Allele origin: germline.
Comment: This sequence change replaces lysine, which is basic and polar, with asparagine, which is neutral and polar, at codon 864 of the MET protein (p.Lys864Asn). This variant is not present in population databases (gnomAD no frequency). This variant has not been reported in the literature in individuals affected with MET-related conditions. ClinVar contains an entry for this variant (Variation ID: 577214). Invitae Evidence Modeling of protein sequence and biophysical properties (such as structural, functional, and spatial information, amino acid conservation, physicochemical variation, residue mobility, and thermodynamic stability) indicates that this missense variant is not expected to disrupt MET protein function with a negative predictive value of 80%. In summary, the available evidence is currently insufficient to determine the role of this variant in disease. Therefore, it has been classified as a Variant of Uncertain Significance.

Ambry Genetics
Classification: Uncertain significance for Hereditary cancer-predisposing syndrome. Last evaluated: 2024-08-08. Review status: criteria provided, single submitter. Criteria: Ambry Variant Classification Scheme 2023. Collection method: clinical testing. Allele origin: germline.
Comment: The p.K864N variant (also known as c.2592G>C), located in coding exon 10 of the MET gene, results from a G to C substitution at nucleotide position 2592. The lysine at codon 864 is replaced by asparagine, an amino acid with similar properties. This amino acid position is highly conserved in available vertebrate species. In addition, this alteration is predicted to be tolerated by in silico analysis. Since supporting evidence is limited at this time, the clinical significance of this alteration remains unclear.